The following is an entry in ClinVar:

ClinVar aggregate classification (germline): Pathogenic. Review status: reviewed by expert panel (3 of 4 stars). 7 submissions from 6 submitters: Pathogenic (1). 6 of the submissions do not count toward it. Last evaluated 2024-04-22.

Conditions:
Leber congenital amaurosis 2 (LCA2). Also called: Autosomal Recessive RPE65-Related Retinal Degeneration; AMAUROSIS CONGENITA OF LEBER II. Identifiers: Orphanet 65, MedGen C1859844, MONDO:0008765, OMIM 204100. Disease mechanism: loss of function.
Retinitis pigmentosa 20 (RP20). Identifiers: Orphanet 791, MedGen C3151086, MONDO:0013425, OMIM 613794.
RPE65-related recessive retinopathy. Also called: Recessive RPE65 retinopathy. Identifiers: MedGen CN305526, MONDO:0100368.
Leber congenital amaurosis (LCA). Also called: Leber's amaurosis. Identifiers: Orphanet 65, MedGen C0339527, MeSH D057130, MONDO:0018998.
Retinitis pigmentosa (RP). Identifiers: Orphanet 791, MedGen C0035334, MeSH D012174, MONDO:0019200, OMIM 268000. Inheritance: Autosomal dominant, autosomal recessive and X linked inheritance.

Allele frequency attached by ClinVar (database versions not stated): gnomAD exomes 0.00002 and 0.00005; gnomAD 0.00008 and 0.00009; TOPMed 0.00008.

Submissions (7):

ClinGen Leber Congenital Amaurosis/early Onset Retinal Dystrophy Variant Curation Expert Panel, ClinGen
Classification: Pathogenic for RPE65-related recessive retinopathy. Last evaluated: 2024-04-22. Review status: reviewed by expert panel. Criteria: ClinGen LCAeoRD ACMG Specifications RPE65 V1.0.0. Collection method: curation. Allele origin: germline. Inheritance: Autosomal recessive inheritance.
Comment: NM_000329.3(RPE65):c.242G>T is a missense variant causing substitution of arginine by isoleucine at position 81. This variant is present in gnomAD v.4.0.0 at a GrpMax allele frequency of 0.0001576, with 24 alleles / 59020 total alleles in the Admixed American population, which is lower than the ClinGen LCA / eoRD VCEP PM2_Supporting threshold of <0.0002 (PM2_Supporting). This variant has been reported in at least 2 unrelated probands with early-onset severe retinal dystrophy who were homozygous for the variant (1 pt, PMID: 30870047). This variant has also been reported in at least 1 proband with early-onset severe retinal dystrophy who was compound heterozygous with the NM_000329.2(RPE65):c.292_311del (p.Ile98Hisfs) variant confirmed in trans (1 pt, PMID: 30870047), which was previously classified pathogenic by the ClinGen LCA / eoRD VCEP (2 total points, PM3_Strong). At least one proband harboring this variant exhibits a phenotype including a diagnosis of Leber congenital amaurosis (0.5 pts), onset at 1 month of age (1 pt), undetectable ERG responses from rods (0.5 pts) and cones (1 pt), nyctalopia (0.5 pts), reduced visual acuity (1 pt), light gazing (1 pt), RPE mottling (0.5 pts), optic nerve pallor (0.5 pt), nystagmus (1 pt), and pigmentary retinopathy with attenuated vessels (0.5 pt), which together are highly specific for RPE65-related recessive retinopathy (8 total points, PMID: 30870047, PP4_Moderate). The variant has been reported to segregate with childhood-onset severe retinal dystrophy through the proband plus 1 similarly affected relative, with the variant present in the homozygous state (PMID: 30870047, PP1). The computational predictor REVEL gives a score of 0.849, which is above the ClinGen LCA / eoRD VCEP threshold of ≥ 0.773 and predicts a damaging effect on RPE65 function (PP3_Moderate). In summary, this variant meets the criteria to be classified as pathogenic for RPE65-related recessive retinopathy based on the ACMG/AMP criteria applied, as specified by the ClinGen LCA / eoRD VCEP: PM2_supporting, PM3_Strong, PP1, PP3_Moderate, and PP4_Moderate. (VCEP specifications version 1.0.0; date of approval 09/21/2023).

Labcorp Genetics (formerly Invitae), Labcorp
Classification: Pathogenic for Leber congenital amaurosis 2; Retinitis pigmentosa 20. Last evaluated: 2025-07-16. Review status: criteria provided, single submitter. Criteria: Invitae Variant Classification Sherloc (09022015). Collection method: clinical testing. Allele origin: germline. Not counted in ClinVar's aggregate classification.
Comment: This sequence change replaces arginine, which is basic and polar, with isoleucine, which is neutral and non-polar, at codon 81 of the RPE65 protein (p.Arg81Ile). This variant is present in population databases (no rsID available, gnomAD 0.03%). This missense change has been observed in individuals with Leber congenital amaurosis (PMID: 30870047). It has also been observed to segregate with disease in related individuals. ClinVar contains an entry for this variant (Variation ID: 559523). Invitae Evidence Modeling of protein sequence and biophysical properties (such as structural, functional, and spatial information, amino acid conservation, physicochemical variation, residue mobility, and thermodynamic stability) indicates that this missense variant is not expected to disrupt RPE65 protein function with a negative predictive value of 80%. For these reasons, this variant has been classified as Pathogenic.

GeneDx
Classification: Likely pathogenic. Last evaluated: 2023-12-07. Review status: criteria provided, single submitter. Criteria: GeneDx Variant Classification Process June 2021. Collection method: clinical testing. Allele origin: germline. Affected: yes. Not counted in ClinVar's aggregate classification.
Comment: In silico analysis supports that this missense variant does not alter protein structure/function; This variant is associated with the following publications: (PMID: 30870047, 31725251)

3billion
Classification: Likely pathogenic for Leber congenital amaurosis 2. Last evaluated: 2022-09-01. Review status: criteria provided, single submitter. Criteria: ACMG Guidelines, 2015. Collection method: clinical testing. Allele origin: germline. Affected: yes. Observed: 1 homozygote. Not counted in ClinVar's aggregate classification.
Comment: The variant is observed at an extremely low frequency in the gnomAD v2.1.1 dataset (total allele frequency: 0.005%). In silico tool predictions suggest damaging effect of the variant on gene or gene product (REVEL: 0.85; 3Cnet: 0.68). Same nucleotide change resulting in same amino acid change has been previously reported as pathogenic/likely pathogenic with strong evidence (ClinVar ID: VCV000559523). Therefore, this variant is classified as Likely pathogenic according to the recommendation of ACMG/AMP guideline.

Cytogenetics and Genomics Laboratory, Medical University of South Carolina
Classification: Likely pathogenic for Leber congenital amaurosis. Last evaluated: 2018-06-01. Review status: criteria provided, single submitter. Criteria: ACMG Guidelines, 2015. Collection method: research. Allele origin: inherited. Affected: yes. Observed: 14 variant alleles. Not counted in ClinVar's aggregate classification.

Illumina Laboratory Services, Illumina
Classification: Uncertain significance for Leber congenital amaurosis 2. Last evaluated: 2018-02-16. Review status: criteria provided, single submitter. Criteria: ICSL Variant Classification Criteria 13 December 2019. Collection method: clinical testing. Allele origin: germline. Not counted in ClinVar's aggregate classification.

Illumina Laboratory Services, Illumina
Classification: Uncertain significance for Retinitis pigmentosa. Last evaluated: 2018-02-16. Review status: criteria provided, single submitter. Criteria: ICSL Variant Classification Criteria 13 December 2019. Collection method: clinical testing. Allele origin: germline. Not counted in ClinVar's aggregate classification.

Literature cited by the submitters: PubMed 30870047 (cited by Labcorp Genetics (formerly Invitae), Labcorp).

NM_000329.3(RPE65):c.242G>T (p.Arg81Ile)

Gene: RPE65 (retinoid isomerohydrolase RPE65; minus strand). Cytogenetic location: 1p31.3.
Variant type: single nucleotide variant.
Coding change: c.242G>T on transcript NM_000329.3 (MANE Select); coding-DNA position 242, G replaced by T.
Protein change: p.Arg81Ile; replaces arginine 81 with isoleucine.
Molecular consequence: missense variant.
Genome position (GRCh38, 1-based): chr1:68,446,713, C>A on the plus strand (G>T on the coding strand, the complement: RPE65 is on the minus strand). VCF-style: chr1-68446713-C-A. GRCh37 (hg19) VCF-style: chr1-68912396-C-A.
Other names: NM_000329.3(RPE65):c.242G>T; p.Arg81Ile; short protein forms R81I.
Identifiers: ClinVar variation 559523 (VCV000559523.17), dbSNP rs1429137932, ClinGen allele CA340748885.